The following is an entry in ClinVar:

NM_000051.4(ATM):c.1914dup (p.Asp639fs)

Gene: ATM (ATM serine/threonine kinase; plus strand). Cytogenetic location: 11q22.3.
Variant type: Duplication.
Coding change: c.1914dup on transcript NM_000051.4 (MANE Select); coding-DNA position 1914, one base duplicated (A; older notation c.1914dupA).
Protein change: p.Asp639fs; shifts the reading frame from aspartic acid 639.
Molecular consequence: frameshift variant.
Genome position (GRCh38, 1-based): chr11:108,253,829, A duplicated; the last of 5 consecutive A bases (chr11:108,253,825-108,253,829); duplicating any one gives the same sequence. VCF-style (leftmost placement, unchanged base first): chr11-108253824-C-CA. GRCh37 (hg19) VCF-style: chr11-108124551-C-CA.
Other names: c.1914dup, p.Asp639fs (NM_001351834.2); short protein forms D639fs.
Identifiers: ClinVar variation 982023 (VCV000982023.8), dbSNP rs2080292910, ClinGen allele CA1139662162.

ClinVar aggregate classification (germline): Pathogenic/Likely pathogenic. Review status: criteria provided, multiple submitters, no conflicts (2 of 4 stars). 2 submissions from 2 submitters: Pathogenic (1); Likely pathogenic (1). Last evaluated 2021-11-01.

Conditions:
Ataxia-telangiectasia syndrome (AT). Also called: Ataxia telangiectasia (A-T); Ataxia-telangiectasia; Cerebello-oculocutaneous telangiectasia; Immunodeficiency with ataxia telangiectasia; ATAXIA-TELANGIECTASIA, FRESNO VARIANT; LOUIS-BAR SYNDROME. Identifiers: Orphanet 100, MedGen C0004135, MONDO:0008840, OMIM 208900.

Submissions (2):

Labcorp Genetics (formerly Invitae), Labcorp
Classification: Pathogenic for Ataxia-telangiectasia syndrome. Last evaluated: 2021-11-01. Review status: criteria provided, single submitter. Criteria: Invitae Variant Classification Sherloc (09022015). Collection method: clinical testing. Allele origin: germline.
Comment: For these reasons, this variant has been classified as Pathogenic. ClinVar contains an entry for this variant (Variation ID: 982023). This premature translational stop signal has been observed in individual(s) with ataxia-telangiectasia (PMID: 33084218). This variant is not present in population databases (gnomAD no frequency). This sequence change creates a premature translational stop signal (p.Asp639Argfs*2) in the ATM gene. It is expected to result in an absent or disrupted protein product. Loss-of-function variants in ATM are known to be pathogenic (PMID: 23807571, 25614872).

Consultorio y Laboratorio de Neurogenética, Hospital JM Ramos Mejia
Classification: Likely pathogenic for Ataxia-telangiectasia syndrome. Review status: criteria provided, single submitter. Criteria: Perez et al. (J Hum Genet. 2020). Collection method: clinical testing. Allele origin: unknown. Inheritance: Autosomal recessive inheritance. Affected: yes. Observed: 1 compound heterozygote.

Literature cited by the submitters: PubMed 33084218 (cited by Labcorp Genetics (formerly Invitae), Labcorp); PubMed 23807571 (cited by Labcorp Genetics (formerly Invitae), Labcorp); PubMed 25614872 (cited by Labcorp Genetics (formerly Invitae), Labcorp).